The following is an entry in ClinVar:

ClinVar aggregate classification (germline): Uncertain significance. Review status: criteria provided, multiple submitters, no conflicts (2 of 4 stars). 2 submissions from 2 submitters: Uncertain significance (2). Last evaluated 2025-09-10.

Conditions:
Inborn genetic diseases. Identifiers: MedGen C0950123, MeSH D030342.
Fanconi anemia (FA). Also called: Fanconi's anemia. Identifiers: Orphanet 84, MedGen C0015625, MeSH D005199, MONDO:0019391.

Allele frequency attached by ClinVar (database versions not stated): gnomAD 0.00001; gnomAD exomes 0.00001; TOPMed 0.00001.
gnomAD v4.1: 7 of 1,614,094 alleles (0.00043%); highest among the groups gnomAD compares: African/African-American, 0.0013%; no homozygotes.

Submissions (2):

Ambry Genetics
Classification: Uncertain significance for Inborn genetic diseases. Last evaluated: 2025-09-10. Review status: criteria provided, single submitter. Criteria: Ambry Variant Classification Scheme 2023. Collection method: clinical testing. Allele origin: germline.

Labcorp Genetics (formerly Invitae), Labcorp
Classification: Uncertain significance for Fanconi anemia. Last evaluated: 2021-08-31. Review status: criteria provided, single submitter. Criteria: Invitae Variant Classification Sherloc (09022015). Collection method: clinical testing. Allele origin: germline.
Comment: This sequence change replaces proline with leucine at codon 1042 of the FANCA protein (p.Pro1042Leu). The proline residue is weakly conserved and there is a moderate physicochemical difference between proline and leucine. This variant is not present in population databases (ExAC no frequency). This variant has not been reported in the literature in individuals affected with FANCA-related conditions. Advanced modeling of protein sequence and biophysical properties (such as structural, functional, and spatial information, amino acid conservation, physicochemical variation, residue mobility, and thermodynamic stability) performed at Invitae indicates that this missense variant is not expected to disrupt FANCA protein function. In summary, the available evidence is currently insufficient to determine the role of this variant in disease. Therefore, it has been classified as a Variant of Uncertain Significance.

NM_000135.4(FANCA):c.3125C>T (p.Pro1042Leu)

Gene: FANCA (FA complementation group A; minus strand). Cytogenetic location: 16q24.3.
Variant type: single nucleotide variant.
Coding change: c.3125C>T on transcript NM_000135.4 (MANE Select); coding-DNA position 3125, C replaced by T.
Protein change: p.Pro1042Leu; replaces proline 1042 with leucine.
Molecular consequence: missense variant.
Genome position (GRCh38, 1-based): chr16:89,749,844, G>A on the plus strand (C>T on the coding strand, the complement: FANCA is on the minus strand). VCF-style: chr16-89749844-G-A. GRCh37 (hg19) VCF-style: chr16-89816252-G-A.
Other names: c.3125C>T (NM_000135.2); c.3125C>T, p.Pro1042Leu (NM_001286167.3); short protein forms P1042L.
Identifiers: ClinVar variation 1403963 (VCV001403963.7), dbSNP rs1173497525, ClinGen allele CA397486648.
Genomic context (GRCh38, chr16:89,749,844, plus strand): 5'-CCGCTTGTCAGAGCCTGGAGCCGTCTGCGGAAAATCTCAAAGAGGAAGTGCTCCTGGGAA[G>A]GGGTGTGGCCGAGAGGCACTATGAGGTCTTGCTGCAGCTCCAGGTCAGCTACCATCTCCT-3'
Protein context (NP_000126.2, residues 1032-1052): QDLIVPLGHT[Pro1042Leu]SQEHFLFEIF